The following is an entry in ClinVar:

NM_006035.4(CDC42BPB):c.4981C>A (p.Pro1661Thr)

Gene: CDC42BPB (CDC42 binding protein kinase beta; minus strand). Cytogenetic location: 14q32.32.
Variant type: single nucleotide variant.
Coding change: c.4981C>A on transcript NM_006035.4 (MANE Select); coding-DNA position 4981, C replaced by A.
Protein change: p.Pro1661Thr; replaces proline 1661 with threonine.
Molecular consequence: missense variant.
Genome position (GRCh38, 1-based): chr14:102,938,127, G>T on the plus strand (C>A on the coding strand, the complement: CDC42BPB is on the minus strand). VCF-style: chr14-102938127-G-T. GRCh37 (hg19) VCF-style: chr14-103404464-G-T.
Other names: c.4903C>A, p.Pro1635Thr (NM_001411054.1); short protein forms P1635T, P1661T.
Identifiers: ClinVar variation 3602389 (VCV003602389.1).

ClinVar aggregate classification (germline): Uncertain significance (1 of 4 stars; one submission).

Submission:

GeneDx
Classification: Uncertain significance. Last evaluated: 2024-08-01. Review status: criteria provided, single submitter. Criteria: GeneDx Variant Classification Process June 2021. Collection method: clinical testing. Allele origin: germline. Affected: yes.
Comment: Not observed at significant frequency in large population cohorts (gnomAD); In silico analysis indicates that this missense variant does not alter protein structure/function; Has not been previously published as pathogenic or benign to our knowledge